The following is an entry in ClinVar:

NM_153704.6(TMEM67):c.1575+1G>A

Gene: TMEM67 (transmembrane protein 67; plus strand). Cytogenetic location: 8q22.1.
Variant type: single nucleotide variant.
Coding change: c.1575+1G>A on transcript NM_153704.6 (MANE Select); the canonical splice donor site of the intron after coding-DNA position 1575, G replaced by A.
Molecular consequence: splice donor variant.
Genome position (GRCh38, 1-based): chr8:93,791,320, G>A. VCF-style: chr8-93791320-G-A. GRCh37 (hg19) VCF-style: chr8-94803548-G-A.
Other names: IVS15, G-A, +1; c.1332+1G>A (NM_001142301.1).
Identifiers: ClinVar variation 1370 (VCV000001370.2), dbSNP rs386834187, ClinGen allele CA212767.

ClinVar aggregate classification (germline): Pathogenic/Likely pathogenic. Review status: no assertion criteria provided (0 of 4 stars). 2 submissions from 2 submitters: Pathogenic (1); Likely pathogenic (1). Last evaluated 2006-02-01.

Conditions:
Meckel syndrome, type 3 (MKS3). Also called: MECKEL-GRUBER SYNDROME, TYPE 3. Identifiers: Orphanet 564, MedGen C1846357, MONDO:0011821, OMIM 607361.

Allele frequency attached by ClinVar (database versions not stated): gnomAD exomes below 0.00001.
gnomAD v4.1: 4 of 1,588,342 alleles (0.00025%); highest among the groups gnomAD compares: East Asian, 0.0045%; no homozygotes.

Submissions (2):

OMIM
Classification: Pathogenic for MECKEL SYNDROME, TYPE 3. Last evaluated: 2006-02-01. Review status: no assertion criteria provided. Collection method: literature only. Allele origin: germline.

Juha Muilu Group; Institute for Molecular Medicine Finland (FIMM)
Classification: Likely pathogenic for Meckel syndrome type 3. Review status: no assertion criteria provided. Collection method: not provided. Allele origin: unknown.
Comment: FinDis database variant: This variant was not found or characterized by our laboratory, data were collected from public sources: see reference
ClinVar note: Converted during submission from probable-pathogenic to Likely pathogenic.

Literature cited by the submitters: PubMed 16415887 (cited by OMIM).